The following is an entry in ClinVar:

NM_000629.3(IFNAR1):c.335C>A (p.Ser112Tyr)

Gene: IFNAR1 (interferon alpha and beta receptor subunit 1; plus strand). Cytogenetic location: 21q22.11.
Variant type: single nucleotide variant.
Coding change: c.335C>A on transcript NM_000629.3 (MANE Select); coding-DNA position 335, C replaced by A.
Protein change: p.Ser112Tyr; replaces serine 112 with tyrosine.
Molecular consequence: missense variant. On other transcripts: 5 prime UTR variant (2).
Genome position (GRCh38, 1-based): chr21:33,341,133, C>A. VCF-style: chr21-33341133-C-A. GRCh37 (hg19) VCF-style: chr21-34713439-C-A.
Other names: c.335C>A, p.Ser112Tyr (NM_001384498.1, NM_001384499.1, NM_001384501.1 and 1 more transcripts); c.-452C>A (NM_001384500.1); c.-128C>A (NM_001384502.1); c.128C>A, p.Ser43Tyr (NM_001384504.1); short protein forms S112Y, S43Y.
Identifiers: ClinVar variation 1997698 (VCV001997698.4), dbSNP rs2516867813, ClinGen allele CA410106762.

ClinVar aggregate classification (germline): Uncertain significance (1 of 4 stars; one submission).

Submission:

Labcorp Genetics (formerly Invitae), Labcorp
Classification: Uncertain significance. Last evaluated: 2023-08-17. Review status: criteria provided, single submitter. Criteria: Invitae Variant Classification Sherloc (09022015). Collection method: clinical testing. Allele origin: germline.
Comment: In summary, the available evidence is currently insufficient to determine the role of this variant in disease. Therefore, it has been classified as a Variant of Uncertain Significance. An algorithm developed to predict the effect of missense changes on protein structure and function (PolyPhen-2) suggests that this variant is likely to be disruptive. ClinVar contains an entry for this variant (Variation ID: 1997698). This variant has not been reported in the literature in individuals affected with IFNAR1-related conditions. This variant is not present in population databases (gnomAD no frequency). This sequence change replaces serine, which is neutral and polar, with tyrosine, which is neutral and polar, at codon 112 of the IFNAR1 protein (p.Ser112Tyr).